The following is an entry in ClinVar:

NM_002691.4(POLD1):c.607G>C (p.Gly203Arg)

Gene: POLD1 (DNA polymerase delta 1, catalytic subunit; plus strand). Cytogenetic location: 19q13.33.
Variant type: single nucleotide variant.
Coding change: c.607G>C on transcript NM_002691.4 (MANE Select); coding-DNA position 607, G replaced by C.
Protein change: p.Gly203Arg; replaces glycine 203 with arginine.
Molecular consequence: missense variant. On other transcripts: non-coding transcript variant (1).
Genome position (GRCh38, 1-based): chr19:50,402,222, G>C. VCF-style: chr19-50402222-G-C. GRCh37 (hg19) VCF-style: chr19-50905479-G-C.
Other names: c.607G>C, p.Gly203Arg (NM_001256849.1, NM_001308632.1); short protein forms G203R.
Identifiers: ClinVar variation 1355166 (VCV001355166.8), dbSNP rs369896998, ClinGen allele CA406973846.
Genomic context (GRCh38, chr19:50,402,222, plus strand): 5'-CCTCGGGAGGCCATTGGCTGGTCCCAGCTTCTTCCATCCACAGGCATGTTTGGGTACCAC[G>C]GGCACGGCCCCTCCCCGTTCCTGCGCATCACCGTGGCGCTGCCGCGCCTCGTGGCCCCGG-3'
Protein context (NP_002682.2, residues 193-213): CSRESMFGYH[Gly203Arg]HGPSPFLRIT

ClinVar aggregate classification (germline): Uncertain significance (1 of 4 stars; one submission).

Conditions:
POLD1-related polyposis and colorectal cancer syndrome (CRCS10). Also called: Colorectal cancer, susceptibility to, 10; Colorectal cancer 10; COLORECTAL CANCER, SUSCEPTIBILITY TO, ON CHROMOSOME 19q. Identifiers: Orphanet 220460, MedGen C2675481, MONDO:0012953, OMIM 612591.

Submission:

Labcorp Genetics (formerly Invitae), Labcorp
Classification: Uncertain significance for POLD1-related polyposis and colorectal cancer syndrome. Last evaluated: 2021-04-04. Review status: criteria provided, single submitter. Criteria: Invitae Variant Classification Sherloc (09022015). Collection method: clinical testing. Allele origin: germline.
Comment: In summary, the available evidence is currently insufficient to determine the role of this variant in disease. Therefore, it has been classified as a Variant of Uncertain Significance. Algorithms developed to predict the effect of missense changes on protein structure and function are either unavailable or do not agree on the potential impact of this missense change (SIFT: "Deleterious"; PolyPhen-2: "Probably Damaging"; Align-GVGD: "Class C15"). This variant has not been reported in the literature in individuals with POLD1-related conditions. This variant is not present in population databases (ExAC no frequency). This sequence change replaces glycine with arginine at codon 203 of the POLD1 protein (p.Gly203Arg). The glycine residue is highly conserved and there is a moderate physicochemical difference between glycine and arginine.